The following is an entry in ClinVar:

ClinVar aggregate classification (germline): Conflicting classifications of pathogenicity. Review status: criteria provided, conflicting classifications (1 of 4 stars). 4 submissions from 4 submitters: Pathogenic (1); Uncertain significance (1). 2 of the submissions do not count toward it. Last evaluated 2024-09-27.

Conditions:
CACNA1A-related disorder. Also called: CACNA1A-related condition.
Developmental and epileptic encephalopathy, 42 (DEE42A). Also called: DEVELOPMENTAL AND EPILEPTIC ENCEPHALOPATHY 42A; EPILEPTIC ENCEPHALOPATHY, EARLY INFANTILE, 42A; Epileptic encephalopathy, early infantile, 42. Identifiers: MedGen C4310716, MONDO:0014917, OMIM 617106.
Episodic ataxia type 2 (EA2). Also called: ACETAZOLAMIDE-RESPONSIVE HEREDITARY PAROXYSMAL CEREBELLAR ATAXIA; ATAXIA, EPISODIC, WITH NYSTAGMUS; ATAXIA, FAMILIAL PAROXYSMAL; CEREBELLAR ATAXIA, PAROXYSMAL, ACETAZOLAMIDE-RESPONSIVE; CEREBELLOPATHY, HEREDITARY PAROXYSMAL; EPISODIC ATAXIA, NYSTAGMUS-ASSOCIATED. Identifiers: Orphanet 97, MedGen C1720416, MONDO:0007163, OMIM 108500.
Cerebellar ataxia. Identifiers: Orphanet 102002, MedGen C0007758, MONDO:0000437.
Mild global developmental delay. Identifiers: MedGen C4012968, HP:0011342.
Spastic paraparesis. Identifiers: MedGen C0037771, HP:0002313.
Intention tremor. Identifiers: MedGen C4551520, HP:0002080.
Dysarthria. Identifiers: MedGen C0013362, HP:0001260.

Allele frequency attached by ClinVar (database versions not stated): TOPMed below 0.00001; gnomAD 0.00001.

Submissions (4):

GeneDx
Classification: Pathogenic. Last evaluated: 2024-09-27. Review status: criteria provided, single submitter. Criteria: GeneDx Variant Classification Process June 2021. Collection method: clinical testing. Allele origin: germline. Affected: yes.
Comment: Not observed in large population cohorts (gnomAD); In silico analysis supports that this missense variant has a deleterious effect on protein structure/function; Reported as a single heterozygous variant in a patient in published literature with a neurodevelopmental disorder, but detailed clinical information and familial segregation information were not provided (PMID: 25473036); This variant is associated with the following publications: (PMID: 32116539, 32899500, 25473036)

Labcorp Genetics (formerly Invitae), Labcorp
Classification: Uncertain significance for Developmental and epileptic encephalopathy, 42; Episodic ataxia type 2. Last evaluated: 2024-02-06. Review status: criteria provided, single submitter. Criteria: Invitae Variant Classification Sherloc (09022015). Collection method: clinical testing. Allele origin: germline.
Comment: This sequence change replaces arginine, which is basic and polar, with tryptophan, which is neutral and slightly polar, at codon 192 of the CACNA1A protein (p.Arg192Trp). This variant is not present in population databases (gnomAD no frequency). This variant has not been reported in the literature in individuals affected with CACNA1A-related conditions. ClinVar contains an entry for this variant (Variation ID: 373933). Advanced modeling of protein sequence and biophysical properties (such as structural, functional, and spatial information, amino acid conservation, physicochemical variation, residue mobility, and thermodynamic stability) has been performed at Invitae for this missense variant, however the output from this modeling did not meet the statistical confidence thresholds required to predict the impact of this variant on CACNA1A protein function. This variant disrupts the p.Arg192 amino acid residue in CACNA1A. Other variant(s) that disrupt this residue have been determined to be pathogenic (PMID: 8898206; Invitae). This suggests that this residue is clinically significant, and that variants that disrupt this residue are likely to be disease-causing. In summary, the available evidence is currently insufficient to determine the role of this variant in disease. Therefore, it has been classified as a Variant of Uncertain Significance.

PreventionGenetics, part of Exact Sciences
Classification: Uncertain significance for CACNA1A-related condition. Last evaluated: 2024-07-18. Review status: no assertion criteria provided. Collection method: clinical testing. Allele origin: germline. Not counted in ClinVar's aggregate classification.
Comment: The CACNA1A c.574C>T variant is predicted to result in the amino acid substitution p.Arg192Trp. This variant has been reported in an individual with a neurodevelopmental disorder (Table 3, Soden et al. 2014. PubMed ID: 25473036). An alternate substitution of this amino acid residue (p.Arg192Gln) has been reported many times in individuals with familial hemiplegic migraine (see for example Ophoff et al. 1996. PubMed ID: 8898206). This variant has not been reported in the large population database gnomAD, indicating this variant is rare. Although we suspect that this variant may be pathogenic, at this time, the clinical significance of this variant is uncertain due to the absence of conclusive functional and genetic evidence.

Centre for Mendelian Genomics, University Medical Centre Ljubljana
Classification: Likely pathogenic for Ataxia; Dysarthria; Intention tremor; Mild global developmental delay; Spastic paraparesis. Last evaluated: 2016-01-22. Review status: no assertion criteria provided. Collection method: clinical testing. Allele origin: unknown. Affected: yes. Not counted in ClinVar's aggregate classification.

Literature cited by the submitters: PubMed 8898206 (cited by Labcorp Genetics (formerly Invitae), Labcorp).

NM_001127222.2(CACNA1A):c.574C>T (p.Arg192Trp)

Gene: CACNA1A (calcium voltage-gated channel subunit alpha1 A; minus strand). Cytogenetic location: 19p13.13.
Variant type: single nucleotide variant.
Coding change: c.574C>T on transcript NM_001127222.2 (MANE Select); coding-DNA position 574, C replaced by T.
Protein change: p.Arg192Trp; replaces arginine 192 with tryptophan.
Molecular consequence: missense variant.
Genome position (GRCh38, 1-based): chr19:13,371,745, G>A on the plus strand (C>T on the coding strand, the complement: CACNA1A is on the minus strand). VCF-style: chr19-13371745-G-A. GRCh37 (hg19) VCF-style: chr19-13482559-G-A.
Other names: c.574C>T, p.Arg192Trp (NM_000068.4, NM_001127221.2, NM_001174080.2 and 1 more transcripts); c.574C>T (NM_001127222.1); short protein forms R192W.
Identifiers: ClinVar variation 373933 (VCV000373933.18), dbSNP rs1057518779, ClinGen allele CA16043551.